The following is an entry in ClinVar:

ClinVar aggregate classification (germline): Pathogenic (1 of 4 stars; one submission).

Conditions:
MHC class I deficiency. Identifiers: Orphanet 34592, MedGen C6024714, MONDO:0011476.

Submission:

Labcorp Genetics (formerly Invitae), Labcorp
Classification: Pathogenic for MHC class I deficiency 1. Last evaluated: 2024-06-13. Review status: criteria provided, single submitter. Criteria: Invitae Variant Classification Sherloc (09022015). Collection method: clinical testing. Allele origin: germline.
Comment: This sequence change creates a premature translational stop signal (p.Tyr409*) in the TAP1 gene. It is expected to result in an absent or disrupted protein product. Loss-of-function variants in TAP1 are known to be pathogenic (PMID: 10074494, 10074495). This variant is not present in population databases (gnomAD no frequency). This variant has not been reported in the literature in individuals affected with TAP1-related conditions. For these reasons, this variant has been classified as Pathogenic.

Literature cited by the submitters: PubMed 10074494; PubMed 10074495.

NM_000593.6(TAP1):c.1047C>A (p.Tyr349Ter)

Gene: TAP1 (transporter 1, ATP binding cassette subfamily B member; minus strand). Cytogenetic location: 6p21.32.
Variant type: single nucleotide variant.
Coding change: c.1047C>A on transcript NM_000593.6 (MANE Select); coding-DNA position 1047, C replaced by A.
Protein change: p.Tyr349Ter; replaces tyrosine 349 with a stop codon.
Molecular consequence: nonsense.
Genome position (GRCh38, 1-based): chr6:32,850,947, G>T on the plus strand (C>A on the coding strand, the complement: TAP1 is on the minus strand). VCF-style: chr6-32850947-G-T. GRCh37 (hg19) VCF-style: chr6-32818724-G-T.
Other names: c.444C>A, p.Tyr148Ter (NM_001292022.2); short protein forms Y148*, Y349*.
Identifiers: ClinVar variation 3656608 (VCV003656608.2).